The following is an entry in ClinVar:

ClinVar aggregate classification (germline): Likely benign (0 of 4 stars; one submission).

Conditions:
SLC25A20-related disorder. Also called: SLC25A20-related condition.

gnomAD v4.1: 9 of 1,613,476 alleles (0.00056%); highest among the groups gnomAD compares: Non-Finnish European, 0.00076%; no homozygotes.

Submission:

PreventionGenetics, part of Exact Sciences
Classification: Likely benign for SLC25A20-related condition. Last evaluated: 2020-07-23. Review status: no assertion criteria provided. Collection method: clinical testing. Allele origin: germline.
Comment: This variant is classified as likely benign based on ACMG/AMP sequence variant interpretation guidelines (Richards et al. 2015 PMID: 25741868, with internal and published modifications).

NM_000387.6(SLC25A20):c.*9G>T

Gene: SLC25A20 (solute carrier family 25 member 20; minus strand). Cytogenetic location: 3p21.31.
Variant type: single nucleotide variant.
Coding change: c.*9G>T on transcript NM_000387.6 (MANE Select); 9 bases downstream of the stop codon, G replaced by T.
Molecular consequence: 3 prime UTR variant.
Genome position (GRCh38, 1-based): chr3:48,857,701, C>A on the plus strand (G>T on the coding strand, the complement: SLC25A20 is on the minus strand). VCF-style: chr3-48857701-C-A. GRCh37 (hg19) VCF-style: chr3-48895134-C-A.
Identifiers: ClinVar variation 3036568 (VCV003036568.2), dbSNP rs1472876028, ClinGen allele CA433527543.